The following is an entry in ClinVar:

NM_006766.5(KAT6A):c.5048_5049insCCA (p.Gln1684_Pro1685insGln)

Gene: KAT6A (lysine acetyltransferase 6A; minus strand). Cytogenetic location: 8p11.21.
Variant type: Insertion.
Coding change: c.5048_5049insCCA on transcript NM_006766.5 (MANE Select); coding-DNA positions 5048 to 5049, CCA inserted.
Protein change: p.Gln1684_Pro1685insGln.
Molecular consequence: inframe insertion.
Genome position: GRCh38 VCF-style: chr8-41933171-C-CTGG. GRCh37 (hg19) VCF-style: chr8-41790689-C-CTGG.
Identifiers: ClinVar variation 5036932 (VCV005036932.1).
Genomic context (GRCh38, chr8:41,933,171, plus strand): 5'-TGACAGCGGGGGCTGCTGCTGGGGAGGGGGTGGGGGTGGAGGCTGCTGGGGCTGAGGCTG[C>CTGG]GGCTGCTGTTGCGGCTGCTGCTGGGGTGGTGGAGGCTGTGGTGCTGGTTGTGGTTGTGGC-3'

ClinVar aggregate classification (germline): Uncertain significance (1 of 4 stars; one submission).

Submission:

GeneDx
Classification: Uncertain significance. Last evaluated: 2026-04-16. Review status: criteria provided, single submitter. Criteria: GeneDx Variant Classification Process June 2021. Collection method: clinical testing. Allele origin: germline.
Comment: In-frame duplication of 1 amino acid in a non-repeat region; Has not been previously published as pathogenic or benign to our knowledge